The following is an entry in ClinVar:

NM_213599.3(ANO5):c.2415-7T>C

Gene: ANO5 (anoctamin 5; plus strand). Cytogenetic location: 11p14.3.
Variant type: single nucleotide variant.
Coding change: c.2415-7T>C on transcript NM_213599.3 (MANE Select); 7 bases into the intron before coding-DNA position 2415, T replaced by C.
Molecular consequence: intron variant.
Genome position (GRCh38, 1-based): chr11:22,276,087, T>C. VCF-style: chr11-22276087-T-C. GRCh37 (hg19) VCF-style: chr11-22297633-T-C.
Other names: c.2412-7T>C (NM_001142649.2).
Identifiers: ClinVar variation 509838 (VCV000509838.9), dbSNP rs1554935084, ClinGen allele CA658797598.

ClinVar aggregate classification (germline): Likely benign. Review status: criteria provided, multiple submitters, no conflicts (2 of 4 stars). 2 submissions from 2 submitters: Likely benign (2). Last evaluated 2021-09-05.

Conditions:
Gnathodiaphyseal dysplasia (GDD). Also called: GNATHODIAPHYSEAL SCLEROSIS; OSTEOGENESIS IMPERFECTA WITH UNUSUAL SKELETAL LESIONS. Identifiers: Orphanet 53697, MedGen C1833736, MONDO:0008151, OMIM 166260.
Autosomal recessive limb-girdle muscular dystrophy type 2L (LGMDR12). Also called: MUSCULAR DYSTROPHY, LIMB-GIRDLE, AUTOSOMAL RECESSIVE 12; Limb-Girdle Muscular Dystrophy R12 Anoctamin-5-Related (LGMD-R12); Limb-girdle muscular dystrophy, type 2L. Identifiers: Orphanet 206549, MedGen C1969785, MONDO:0012652, OMIM 611307.

Submissions (2):

Labcorp Genetics (formerly Invitae), Labcorp
Classification: Likely benign for Autosomal recessive limb-girdle muscular dystrophy type 2L; Gnathodiaphyseal dysplasia. Last evaluated: 2021-09-05. Review status: criteria provided, single submitter. Criteria: Invitae Variant Classification Sherloc (09022015). Collection method: clinical testing. Allele origin: germline.

GeneDx
Classification: Likely benign. Last evaluated: 2017-06-02. Review status: criteria provided, single submitter. Criteria: GeneDx Variant Classification (06012015). Collection method: clinical testing. Allele origin: germline. Affected: yes.
Comment: This variant is considered likely benign or benign based on one or more of the following criteria: it is a conservative change, it occurs at a poorly conserved position in the protein, it is predicted to be benign by multiple in silico algorithms, and/or has population frequency not consistent with disease.